The following is an entry in ClinVar:

ClinVar aggregate classification (germline): Conflicting classifications of pathogenicity. Review status: criteria provided, conflicting classifications (1 of 4 stars). 4 submissions from 4 submitters: Likely pathogenic (1); Uncertain significance (1). 2 of the submissions do not count toward it. Last evaluated 2026-09-08.

Conditions:
Cardiovascular phenotype. Identifiers: MedGen CN230736.
Hypertrophic cardiomyopathy 2. Also called: TNNT2-Related Familial Hypertrophic Cardiomyopathy. Identifiers: MedGen C1861864, MONDO:0007266, OMIM 115195.
Hypertrophic cardiomyopathy. Also called: HYPERTROPHIC MYOCARDIOPATHY. Identifiers: Orphanet 217569, MedGen C0007194, MeSH D002312, MONDO:0005045, HP:0001639.
Dilated cardiomyopathy 1D. Identifiers: Orphanet 154, Orphanet 54260, MedGen C1832243, MONDO:0011095, OMIM 601494.
Cardiomyopathy, familial restrictive, 3. Identifiers: Orphanet 75249, MedGen C2676271, MONDO:0012900, OMIM 612422.

Submissions (4):

Ambry Genetics
Classification: Uncertain significance for Cardiovascular phenotype. Last evaluated: 2026-09-08. Review status: criteria provided, single submitter. Criteria: Ambry Variant Classification Scheme 2023. Collection method: clinical testing. Allele origin: germline.
Comment: The p.V85M variant (also known as c.253G>A), located in coding exon 7 of the TNNT2 gene, results from a G to A substitution at nucleotide position 253. The valine at codon 85 is replaced by methionine, an amino acid with highly similar properties. This variant was reported in individual(s) with features consistent with TNNT2-related cardiomyopathy (Janin A et al. Mol Diagn Ther, 2021 May;25:373-385; Canciello G et al. Int J Mol Sci, 2024 Jul;25:; Frisso G et al. Clin Genet, 2009 Jul;76:91-101). This amino acid position is highly conserved in available vertebrate species. In addition, this alteration is predicted to be deleterious by in silico analysis. Based on the available evidence, the clinical significance of this variant remains unclear.

Labcorp Genetics (formerly Invitae), Labcorp
Classification: Likely pathogenic for Cardiomyopathy, familial restrictive, 3; Hypertrophic cardiomyopathy 2; Dilated cardiomyopathy 1D. Last evaluated: 2025-05-23. Review status: criteria provided, single submitter. Criteria: Invitae Variant Classification Sherloc (09022015). Collection method: clinical testing. Allele origin: germline.
Comment: This sequence change replaces valine, which is neutral and non-polar, with methionine, which is neutral and non-polar, at codon 85 of the TNNT2 protein (p.Val85Met). This variant is not present in population databases (gnomAD no frequency). This missense change has been observed in individuals with hypertrophic cardiomyopathy (PMID: 19659763; internal data). This variant is also known as c.283G>A (p.V95M). ClinVar contains an entry for this variant (Variation ID: 1435754). Invitae Evidence Modeling of protein sequence and biophysical properties (such as structural, functional, and spatial information, amino acid conservation, physicochemical variation, residue mobility, and thermodynamic stability) has been performed for this missense variant. However, the output from this modeling did not meet the statistical confidence thresholds required to predict the impact of this variant on TNNT2 protein function. In summary, the currently available evidence indicates that the variant is pathogenic, but additional data are needed to prove that conclusively. Therefore, this variant has been classified as Likely Pathogenic.

ICMR Centre for Advanced Research and Excellence in Heart Failure, Sree Chitra Tirunal Institute for Medical Sciences & Technology, KERALA, INDIA
Classification: Uncertain significance for Hypertrophic cardiomyopathy 2. Last evaluated: 2023-03-19. Review status: no assertion criteria provided. Collection method: clinical testing. Allele origin: germline. Affected: yes. Observed: 1 variant allele. Not counted in ClinVar's aggregate classification.

Zaffran Lab, Genetics of Cardiac Diseases Laboratory, Marseille Medical Genetics
Classification: Pathogenic for hypertrophic cardiomyopathy. Review status: no assertion criteria provided. Collection method: research. Allele origin: unknown. Affected: yes. Not counted in ClinVar's aggregate classification.

Literature cited by the submitters: PubMed 19659763 (cited by Ambry Genetics and Labcorp Genetics (formerly Invitae), Labcorp); PubMed 33954932 (cited by Ambry Genetics); PubMed 39125703 (cited by Ambry Genetics).

NM_001276345.2(TNNT2):c.283G>A (p.Val95Met)

Gene: TNNT2 (troponin T2, cardiac type; minus strand). Cytogenetic location: 1q32.1.
Variant type: single nucleotide variant.
Coding change: c.283G>A on transcript NM_001276345.2 (MANE Select); coding-DNA position 283, G replaced by A.
Protein change: p.Val95Met; replaces valine 95 with methionine.
Molecular consequence: missense variant.
Genome position (GRCh38, 1-based): chr1:201,365,621, C>T on the plus strand (G>A on the coding strand, the complement: TNNT2 is on the minus strand). VCF-style: chr1-201365621-C-T. GRCh37 (hg19) VCF-style: chr1-201334749-C-T.
Other names: c.283G>A, p.Val95Met (NM_000364.4); c.253G>A, p.Val85Met (NM_001001430.3, NM_001001431.3, NM_001276347.2); c.238G>A, p.Val80Met (NM_001001432.3); c.280G>A, p.Val94Met (NM_001276346.2); c.253G>A (NM_001001430.1); short protein forms V94M, V85M, V80M, V95M.
Identifiers: ClinVar variation 1435754 (VCV001435754.9), dbSNP rs1659515084, ClinGen allele CA344206658.